The following is an entry in ClinVar:

NM_015338.6(ASXL1):c.687G>A (p.Pro229=)

Gene: ASXL1 (ASXL transcriptional regulator 1; plus strand). Cytogenetic location: 20q11.21.
Variant type: single nucleotide variant.
Coding change: c.687G>A on transcript NM_015338.6 (MANE Select); coding-DNA position 687, G replaced by A.
Protein change: p.Pro229=; no amino-acid change (proline 229 retained).
Molecular consequence: synonymous variant. On other transcripts: intron variant (1).
Genome position (GRCh38, 1-based): chr20:32,430,022, G>A. VCF-style: chr20-32430022-G-A. GRCh37 (hg19) VCF-style: chr20-31017825-G-A.
Other names: c.535+591G>A (NM_001363734.1); c.687G>A (NM_015338.5).
Identifiers: ClinVar variation 1592459 (VCV001592459.10), dbSNP rs201432996, ClinGen allele CA9808167.

ClinVar aggregate classification (germline): Likely benign. Review status: criteria provided, multiple submitters, no conflicts (2 of 4 stars). 3 submissions from 3 submitters: Likely benign (3). Last evaluated 2025-07-31.

Conditions:
Inborn genetic diseases. Identifiers: MedGen C0950123, MeSH D030342.
ASXL1-related disorder. Also called: ASXL1-related condition; ASXL1-related disorders.

Allele frequency attached by ClinVar (database versions not stated): gnomAD exomes 0.00001; TOPMed 0.00001; gnomAD 0.00002 and 0.00001; 1000 Genomes Project 30x 0.00016; 1000 Genomes Project 0.00020; ExAC 0.00001.
gnomAD v4.1: 14 of 1,607,042 alleles (0.00087%); highest among the groups gnomAD compares: East Asian, 0.0067%; no homozygotes.

Submissions (3):

PreventionGenetics, part of Exact Sciences
Classification: Likely benign for ASXL1-related condition. Last evaluated: 2025-07-31. Review status: criteria provided, single submitter. Criteria: ACMG Guidelines, 2015. Collection method: clinical testing. Allele origin: germline.
Comment: This variant is classified as likely benign based on ACMG/AMP sequence variant interpretation guidelines (Richards et al. 2015 PMID: 25741868, with internal and published modifications).

Ambry Genetics
Classification: Likely benign for Inborn genetic diseases. Last evaluated: 2024-10-02. Review status: criteria provided, single submitter. Criteria: Ambry Variant Classification Scheme 2023. Collection method: clinical testing. Allele origin: germline.

Labcorp Genetics (formerly Invitae), Labcorp
Classification: Likely benign. Last evaluated: 2024-08-12. Review status: criteria provided, single submitter. Criteria: Invitae Variant Classification Sherloc (09022015). Collection method: clinical testing. Allele origin: germline.